The following is an entry in ClinVar:

NM_198252.3(GSN):c.1813C>T (p.Arg605Trp)

Gene: GSN (gelsolin; plus strand). Cytogenetic location: 9q33.2.
Variant type: single nucleotide variant.
Coding change: c.1813C>T on transcript NM_198252.3 (MANE Select); coding-DNA position 1813, C replaced by T.
Protein change: p.Arg605Trp; replaces arginine 605 with tryptophan.
Molecular consequence: missense variant.
Genome position (GRCh38, 1-based): chr9:121,328,941, C>T. VCF-style: chr9-121328941-C-T. GRCh37 (hg19) VCF-style: chr9-124091219-C-T.
Other names: c.1966C>T, p.Arg656Trp (NM_000177.5); c.1813C>T, p.Arg605Trp (NM_001127662.2, NM_001127664.2, NM_001127665.2 and 10 more transcripts); c.1921C>T, p.Arg641Trp (NM_001127663.2); c.1846C>T, p.Arg616Trp (NM_001127666.2, NM_001127667.2, NM_001353063.2 and 13 more transcripts); c.1864C>T, p.Arg622Trp (NM_001258029.2); c.1837C>T, p.Arg613Trp (NM_001258030.2); c.1885C>T, p.Arg629Trp (NM_001353076.2); c.1159C>T, p.Arg387Trp (NM_001353078.2); short protein forms R616W, R656W, R387W, R605W, R629W, R613W, R622W, R641W.
Identifiers: ClinVar variation 1783526 (VCV001783526.3), dbSNP rs745355314, ClinGen allele CA5221425.

ClinVar aggregate classification (germline): Uncertain significance. Review status: criteria provided, multiple submitters, no conflicts (2 of 4 stars). 2 submissions from 2 submitters: Uncertain significance (2). Last evaluated 2025-05-18.

Conditions:
Inborn genetic diseases. Identifiers: MedGen C0950123, MeSH D030342.

Allele frequency attached by ClinVar (database versions not stated): ExAC 0.00001; gnomAD 0.00001; gnomAD exomes 0.00001.
gnomAD v4.1: 8 of 1,613,826 alleles (0.0005%); highest among the groups gnomAD compares: Admixed American, 0.0017%; no homozygotes.

Submissions (2):

Labcorp Genetics (formerly Invitae), Labcorp
Classification: Uncertain significance. Last evaluated: 2025-05-18. Review status: criteria provided, single submitter. Criteria: Invitae Variant Classification Sherloc (09022015). Collection method: clinical testing. Allele origin: germline.
Comment: This sequence change replaces arginine, which is basic and polar, with tryptophan, which is neutral and slightly polar, at codon 656 of the GSN protein (p.Arg656Trp). This variant is present in population databases (rs745355314, gnomAD 0.006%). This variant has not been reported in the literature in individuals affected with GSN-related conditions. ClinVar contains an entry for this variant (Variation ID: 1783526). Invitae Evidence Modeling of protein sequence and biophysical properties (such as structural, functional, and spatial information, amino acid conservation, physicochemical variation, residue mobility, and thermodynamic stability) indicates that this missense variant is expected to disrupt GSN protein function with a positive predictive value of 80%. In summary, the available evidence is currently insufficient to determine the role of this variant in disease. Therefore, it has been classified as a Variant of Uncertain Significance.

Ambry Genetics
Classification: Uncertain significance for Inborn genetic diseases. Last evaluated: 2020-09-09. Review status: criteria provided, single submitter. Criteria: Ambry Variant Classification Scheme 2023. Collection method: clinical testing. Allele origin: germline.
Comment: The p.R656W variant (also known as c.1966C>T), located in coding exon 14 of the GSN gene, results from a C to T substitution at nucleotide position 1966. The arginine at codon 656 is replaced by tryptophan, an amino acid with dissimilar properties. This amino acid position is highly conserved in available vertebrate species. In addition, the in silico prediction for this alteration is inconclusive. Since supporting evidence is limited at this time, the clinical significance of this alteration remains unclear.